The following is an entry in ClinVar:

ClinVar aggregate classification (germline): Uncertain significance (1 of 4 stars; one submission).

Conditions:
Cone-rod dystrophy 13 (CORD13). Identifiers: Orphanet 1872, MedGen C2750720, MONDO:0011987, OMIM 608194.
Leber congenital amaurosis 6 (LCA6). Identifiers: Orphanet 65, MedGen C1854260, MONDO:0013446, OMIM 613826.

Allele frequency attached by ClinVar (database versions not stated): ExAC 0.00001.
gnomAD v4.1: 4 of 1,609,990 alleles (0.00025%); highest among the groups gnomAD compares: Non-Finnish European, 0.00034%; no homozygotes.

Submission:

Labcorp Genetics (formerly Invitae), Labcorp
Classification: Uncertain significance for Leber congenital amaurosis 6; Cone-rod dystrophy 13. Last evaluated: 2022-02-08. Review status: criteria provided, single submitter. Criteria: Invitae Variant Classification Sherloc (09022015). Collection method: clinical testing. Allele origin: germline.
Comment: This sequence change replaces histidine, which is basic and polar, with arginine, which is basic and polar, at codon 319 of the RPGRIP1 protein (p.His319Arg). This variant is present in population databases (rs756920414, gnomAD 0.002%). This variant has not been reported in the literature in individuals affected with RPGRIP1-related conditions. Algorithms developed to predict the effect of missense changes on protein structure and function are either unavailable or do not agree on the potential impact of this missense change (SIFT: "Tolerated"; PolyPhen-2: "Probably Damaging"; Align-GVGD: "Class C0"). Algorithms developed to predict the effect of sequence changes on RNA splicing suggest that this variant may create or strengthen a splice site. In summary, the available evidence is currently insufficient to determine the role of this variant in disease. Therefore, it has been classified as a Variant of Uncertain Significance.

NM_020366.4(RPGRIP1):c.956A>G (p.His319Arg)

Gene: RPGRIP1 (RPGR interacting protein 1; plus strand). Cytogenetic location: 14q11.2.
Variant type: single nucleotide variant.
Coding change: c.956A>G on transcript NM_020366.4 (MANE Select); coding-DNA position 956, A replaced by G.
Protein change: p.His319Arg; replaces histidine 319 with arginine.
Molecular consequence: missense variant.
Genome position (GRCh38, 1-based): chr14:21,311,849, A>G. VCF-style: chr14-21311849-A-G. GRCh37 (hg19) VCF-style: chr14-21780008-A-G.
Other names: short protein forms H319R.
Identifiers: ClinVar variation 1522427 (VCV001522427.6), dbSNP rs756920414, ClinGen allele CA7088835.
Genomic context (GRCh38, chr14:21,311,849, plus strand): 5'-TGACCATTCCCAGAGGTACTTTCCTTTTGACCCAGAATCAGGGAATCCTGAGTGCAGCCC[A>G]TGAGGCCCTCCTCAAGCAAGTGAATGAGCTCAGGGCAGAGCTGAAGGAAGAAAGCAAGAA-3'
Protein context (NP_065099.3, residues 309-329): QKNQGILSAA[His319Arg]EALLKQVNEL